The following is an entry in ClinVar:

ClinVar aggregate classification (germline): Uncertain significance (1 of 4 stars; one submission).

Allele frequency attached by ClinVar (database versions not stated): TOPMed 0.00001.
gnomAD v4.1: 5 of 1,609,432 alleles (0.00031%); highest among the groups gnomAD compares: African/African-American, 0.0027%; no homozygotes.

Submission:

Women's Health and Genetics/Laboratory Corporation of America, LabCorp
Classification: Uncertain significance. Last evaluated: 2024-04-03. Review status: criteria provided, single submitter. Criteria: LabCorp Variant Classification Summary - May 2015. Collection method: clinical testing. Allele origin: germline.
Comment: Variant summary: CYP19A1 c.1124G>T (p.Arg375Leu) results in a non-conservative amino acid change in the encoded protein sequence. Five of five in-silico tools predict a damaging effect of the variant on protein function. The variant was absent in 251176 control chromosomes (gnomAD). To our knowledge, no occurrence of c.1124G>T in individuals affected with Aromatase deficiency and no experimental evidence demonstrating its impact on protein function have been reported. A different missense change affecting this amino acid has been determined to be pathogenic, suggesting this may be a functionally important residue. No submitters have cited clinical-significance assessments for this variant to ClinVar. Based on the evidence outlined above, the variant was classified as VUS-possibly pathogenic.

NM_000103.4(CYP19A1):c.1124G>T (p.Arg375Leu)

Genes: CYP19A1 (cytochrome P450 family 19 subfamily A member 1; minus strand), MIR4713HG (MIR4713 host gene; plus strand), PIRC66 (piwi-interacting RNA cluster 66; plus strand). Cytogenetic location: 15q21.2.
Variant type: single nucleotide variant.
Coding change: c.1124G>T on transcript NM_000103.4 (MANE Select); coding-DNA position 1124, G replaced by T.
Protein change: p.Arg375Leu; replaces arginine 375 with leucine.
Molecular consequence: missense variant.
Genome position (GRCh38, 1-based): chr15:51,212,459, C>A on the plus strand (G>T on the coding strand, the complement: CYP19A1 is on the minus strand). VCF-style: chr15-51212459-C-A. GRCh37 (hg19) VCF-style: chr15-51504656-C-A.
Other names: c.1124G>T, p.Arg375Leu (NM_001347248.1, NM_001347249.2, NM_001347250.2 and 7 more transcripts); short protein forms R375L.
Identifiers: ClinVar variation 3251564 (VCV003251564.1), dbSNP rs762631156.